The following is an entry in ClinVar:

ClinVar aggregate classification (germline): Benign (1 of 4 stars; one submission).

Conditions:
Cleidocranial dysostosis (CLCD1). Also called: cleidocranial dysplasia 1; Marie-Sainton disease; Cleidocranial Dysplasia Spectrum Disorder. Identifiers: Orphanet 1452, MedGen C0008928, MONDO:0007340, OMIM 119600.

Allele frequency attached by ClinVar (database versions not stated): gnomAD 0.00015 and 0.00022; TOPMed 0.00022; ESP Exome Variant Server 0.00023; gnomAD exomes 0.00048; ExAC 0.00071; 1000 Genomes Project 30x 0.00078; 1000 Genomes Project 0.00080.
gnomAD v4.1: 339 of 1,347,310 alleles (0.025%); highest among the groups gnomAD compares: East Asian, 0.29%; 1 homozygote.

Submission:

Illumina Laboratory Services, Illumina
Classification: Benign for Cleidocranial dysostosis. Last evaluated: 2018-01-13. Review status: criteria provided, single submitter. Criteria: ICSL Variant Classification Criteria 13 December 2019. Collection method: clinical testing. Allele origin: germline.
Comment: This variant was observed in the ICSL laboratory as part of a predisposition screen in an ostensibly healthy population. It had not been previously curated by ICSL or reported in the Human Gene Mutation Database (HGMD: prior to June 1st, 2018), and was therefore a candidate for classification through an automated scoring system. Utilizing variant allele frequency, disease prevalence and penetrance estimates, and inheritance mode, an automated score was calculated to assess if this variant is too frequent to cause the disease. Based on the score and internal cut-off values, a variant classified as benign is not then subjected to further curation. The score for this variant resulted in a classification of benign for this disease.

NM_001024630.4(RUNX2):c.*47C>T

Gene: RUNX2 (RUNX family transcription factor 2; plus strand). Cytogenetic location: 6p21.1.
Variant type: single nucleotide variant.
Coding change: c.*47C>T on transcript NM_001024630.4 (MANE Select); 47 bases downstream of the stop codon, C replaced by T.
Molecular consequence: 3 prime UTR variant.
Genome position (GRCh38, 1-based): chr6:45,547,352, C>T. VCF-style: chr6-45547352-C-T. GRCh37 (hg19) VCF-style: chr6-45515089-C-T.
Other names: c.*47C>T (NM_001015051.4, NM_001278478.2, NM_001369405.1).
Identifiers: ClinVar variation 357097 (VCV000357097.5), dbSNP rs144321470, ClinGen allele CA3836652.